The following is an entry in ClinVar:

ClinVar aggregate classification (germline): Likely pathogenic (1 of 4 stars; one submission).

Conditions:
Sandhoff disease. Also called: GM2-GANGLIOSIDOSIS, TYPE II; HEXOSAMINIDASES A AND B DEFICIENCY; Beta-hexosaminidase-beta-subunit deficiency; GM2 gangliosidosis, type 2; Total hexosaminidase deficiency; Sandhoff-Jatzkewitz-Pilz disease. Identifiers: Orphanet 796, MedGen C0036161, MONDO:0010006, OMIM 268800.

Submission:

Natera, Inc.
Classification: Likely pathogenic for Sandhoff disease. Last evaluated: 2025-10-10. Review status: criteria provided, single submitter. Criteria: Natera Variant Classification Schema (03/2026). Collection method: clinical testing. Allele origin: germline.
Comment: The c.1601G>A variant in HEXB is a missense variant predicted to cause substitution of cysteine to tyrosine at amino acid 534. This variant is rare in the general population with a frequency below the threshold expected for the associated phenotype(s). This variant has been observed in one or more individuals affected with the associated recessive disease, as either homozygous or compound heterozygous with a second variant (PMID: 22848519, 12166653, 12027830, 35186388). Computational prediction algorithms indicate this variant is likely to affect gene or protein function. Given the available evidence, this variant is classified as Likely Pathogenic.

Literature cited by the submitters: PubMed 22848519; PubMed 12166653; PubMed 12027830; PubMed 35186388.

NM_000521.4(HEXB):c.1601G>A (p.Cys534Tyr)

Gene: HEXB (hexosaminidase subunit beta; plus strand). Cytogenetic location: 5q13.3.
Variant type: single nucleotide variant.
Coding change: c.1601G>A on transcript NM_000521.4 (MANE Select); coding-DNA position 1601, G replaced by A.
Protein change: p.Cys534Tyr; replaces cysteine 534 with tyrosine.
Molecular consequence: missense variant.
Genome position (GRCh38, 1-based): chr5:74,720,735, G>A. VCF-style: chr5-74720735-G-A. GRCh37 (hg19) VCF-style: chr5-74016560-G-A.
Other names: c.926G>A, p.Cys309Tyr (NM_001292004.2); short protein forms C309Y, C534Y.
Identifiers: ClinVar variation 4814287 (VCV004814287.1).